The following is an entry in ClinVar:

ClinVar aggregate classification (germline): Uncertain significance (1 of 4 stars; one submission).

Allele frequency attached by ClinVar (database versions not stated): gnomAD exomes 0.00001 and 0.00002; TOPMed 0.00001; gnomAD 0.00002; ExAC 0.00008.
gnomAD v4.1: 20 of 1,550,250 alleles (0.0013%); highest among the groups gnomAD compares: Middle Eastern, 0.017%; no homozygotes.

Submission:

Labcorp Genetics (formerly Invitae), Labcorp
Classification: Uncertain significance. Last evaluated: 2022-07-05. Review status: criteria provided, single submitter. Criteria: Invitae Variant Classification Sherloc (09022015). Collection method: clinical testing. Allele origin: germline.
Comment: This sequence change replaces arginine, which is basic and polar, with glutamine, which is neutral and polar, at codon 812 of the TONSL protein (p.Arg812Gln). This variant is present in population databases (rs757399567, gnomAD 0.01%). This variant has not been reported in the literature in individuals affected with TONSL-related conditions. ClinVar contains an entry for this variant (Variation ID: 1415949). Algorithms developed to predict the effect of missense changes on protein structure and function output the following: SIFT: "Tolerated"; PolyPhen-2: "Benign"; Align-GVGD: "Class C0". The glutamine amino acid residue is found in multiple mammalian species, which suggests that this missense change does not adversely affect protein function. Algorithms developed to predict the effect of sequence changes on RNA splicing suggest that this variant may create or strengthen a splice site. In summary, the available evidence is currently insufficient to determine the role of this variant in disease. Therefore, it has been classified as a Variant of Uncertain Significance.

NM_013432.5(TONSL):c.2435G>A (p.Arg812Gln)

Genes: TONSL (tonsoku like, DNA repair protein; minus strand), TONSL-AS1 (TONSL antisense RNA 1; plus strand). Cytogenetic location: 8q24.3.
Variant type: single nucleotide variant.
Coding change: c.2435G>A on transcript NM_013432.5 (MANE Select); coding-DNA position 2435, G replaced by A.
Protein change: p.Arg812Gln; replaces arginine 812 with glutamine.
Molecular consequence: missense variant.
Genome position (GRCh38, 1-based): chr8:144,435,998, C>T on the plus strand (G>A on the coding strand, the complement: TONSL is on the minus strand). VCF-style: chr8-144435998-C-T. GRCh37 (hg19) VCF-style: chr8-145661381-C-T.
Other names: short protein forms R812Q.
Identifiers: ClinVar variation 1415949 (VCV001415949.3), dbSNP rs757399567, ClinGen allele CA4942831.